The following is an entry in ClinVar:

ClinVar aggregate classification (germline): Likely benign. Review status: criteria provided, single submitter (1 of 4 stars). 2 submissions from 2 submitters: Likely benign (1). 1 of the submissions does not count toward it. Last evaluated 2022-09-01.

Conditions:
RREB1-related disorder. Also called: RREB1-related condition.

Allele frequency attached by ClinVar (database versions not stated): gnomAD 0.00013; gnomAD exomes 0.00014; ExAC 0.00017; TOPMed 0.00017; ESP Exome Variant Server 0.00031.
gnomAD v4.1: 221 of 1,601,826 alleles (0.014%); highest among the groups gnomAD compares: Middle Eastern, 0.017%; 2 homozygotes.

Submissions (2):

CeGaT Center for Human Genetics Tuebingen
Classification: Likely benign. Last evaluated: 2022-09-01. Review status: criteria provided, single submitter. Criteria: CeGaT Center For Human Genetics Tuebingen Variant Classification Criteria Version 2. Collection method: clinical testing. Allele origin: germline. Affected: yes. Observed: 1 variant allele.
Comment: RREB1: BP4, BP7

PreventionGenetics, part of Exact Sciences
Classification: Likely benign for RREB1-related condition. Last evaluated: 2019-08-01. Review status: no assertion criteria provided. Collection method: clinical testing. Allele origin: germline. Not counted in ClinVar's aggregate classification.
Comment: This variant is classified as likely benign based on ACMG/AMP sequence variant interpretation guidelines (Richards et al. 2015 PMID: 25741868, with internal and published modifications).

NM_001003699.4(RREB1):c.1992C>A (p.Ser664=)

Gene: RREB1 (ras responsive element binding protein 1; plus strand). Cytogenetic location: 6p24.3.
Variant type: single nucleotide variant.
Coding change: c.1992C>A on transcript NM_001003699.4 (MANE Select); coding-DNA position 1992, C replaced by A.
Protein change: p.Ser664=; no amino-acid change (serine 664 retained).
Molecular consequence: synonymous variant.
Genome position (GRCh38, 1-based): chr6:7,230,091, C>A. VCF-style: chr6-7230091-C-A. GRCh37 (hg19) VCF-style: chr6-7230324-C-A.
Other names: c.1992C>A (NM_001003699.3); c.1992C>A, p.Ser664= (NM_001003698.4, NM_001003700.2, NM_001168344.2).
Identifiers: ClinVar variation 2656200 (VCV002656200.25), dbSNP rs147892331, ClinGen allele CA3625699.
Genomic context (GRCh38, chr6:7,230,091, plus strand): 5'-CTGCCGCTTCTGCAACCAGGTGTTTGCCTTCTCGGGGGTCTTGCGTGCCCACGTGCGCTC[C>A]CACCTGGGCATCTCGCCATACCAGTGCAACATCTGCGACTACATCGCCGCCGACAAGGCC-3'
Protein context (NP_001003699.1, residues 654-674): FSGVLRAHVR[Ser664=]HLGISPYQCN